The following is an entry in ClinVar:

ClinVar aggregate classification (germline): Conflicting classifications of pathogenicity. Review status: criteria provided, conflicting classifications (1 of 4 stars). 2 submissions from 2 submitters: Uncertain significance (1); Likely benign (1). Last evaluated 2025-05-13.

Conditions:
Inborn genetic diseases. Identifiers: MedGen C0950123, MeSH D030342.
Perry syndrome. Also called: PARKINSONISM WITH ALVEOLAR HYPOVENTILATION AND MENTAL DEPRESSION. Identifiers: Orphanet 178509, MedGen C1868594, MONDO:0008201, OMIM 168605.
Neuronopathy, distal hereditary motor, type 7B. Also called: Distal Hereditary Motor Neuronopathy Type 7B (dHMN7B); HMN VIIB; LOWER MOTOR NEURON DISEASE, DYNACTIN TYPE; NEURONOPATHY, DISTAL HEREDITARY MOTOR, AUTOSOMAL DOMINANT 14; NEURONOPATHY, DISTAL HEREDITARY MOTOR, HARDING TYPE VIIB; NEUROPATHY, DISTAL HEREDITARY MOTOR, HARDING TYPE VIIB. Identifiers: Orphanet 139589, MedGen C1843315, MONDO:0011879, OMIM 607641.
Amyotrophic lateral sclerosis type 1 (ALS1). Also called: AMYOTROPHIC LATERAL SCLEROSIS 1, FAMILIAL. Identifiers: Orphanet 803, MedGen C1862939, MONDO:0007103, OMIM 105400.

Allele frequency attached by ClinVar (database versions not stated): TOPMed below 0.00001; gnomAD 0.00001; gnomAD exomes 0.00004 and 0.00007; ExAC 0.00009.
gnomAD v4.1: 52 of 1,614,136 alleles (0.0032%); highest among the groups gnomAD compares: South Asian, 0.057%; 1 homozygote.

Submissions (2):

Ambry Genetics
Classification: Likely benign for Inborn genetic diseases. Last evaluated: 2025-05-13. Review status: criteria provided, single submitter. Criteria: Ambry Variant Classification Scheme 2023. Collection method: clinical testing. Allele origin: germline.

Labcorp Genetics (formerly Invitae), Labcorp
Classification: Uncertain significance for Amyotrophic lateral sclerosis type 1; Neuronopathy, distal hereditary motor, type 7B; Perry syndrome. Last evaluated: 2024-04-11. Review status: criteria provided, single submitter. Criteria: Invitae Variant Classification Sherloc (09022015). Collection method: clinical testing. Allele origin: germline.
Comment: This sequence change replaces aspartic acid, which is acidic and polar, with valine, which is neutral and non-polar, at codon 809 of the DCTN1 protein (p.Asp809Val). This variant is present in population databases (rs781268909, gnomAD 0.06%), and has an allele count higher than expected for a pathogenic variant. This variant has not been reported in the literature in individuals affected with DCTN1-related conditions. ClinVar contains an entry for this variant (Variation ID: 1393318). Advanced modeling of protein sequence and biophysical properties (such as structural, functional, and spatial information, amino acid conservation, physicochemical variation, residue mobility, and thermodynamic stability) performed at Invitae indicates that this missense variant is not expected to disrupt DCTN1 protein function with a negative predictive value of 80%. In summary, the available evidence is currently insufficient to determine the role of this variant in disease. Therefore, it has been classified as a Variant of Uncertain Significance.

NM_004082.5(DCTN1):c.2426A>T (p.Asp809Val)

Gene: DCTN1 (dynactin subunit 1; minus strand). Cytogenetic location: 2p13.1.
Variant type: single nucleotide variant.
Coding change: c.2426A>T on transcript NM_004082.5 (MANE Select); coding-DNA position 2426, A replaced by T.
Protein change: p.Asp809Val; replaces aspartic acid 809 with valine.
Molecular consequence: missense variant. On other transcripts: non-coding transcript variant (1).
Genome position (GRCh38, 1-based): chr2:74,366,823, T>A on the plus strand (A>T on the coding strand, the complement: DCTN1 is on the minus strand). VCF-style: chr2-74366823-T-A. GRCh37 (hg19) VCF-style: chr2-74593950-T-A.
Other names: c.2366A>T, p.Asp789Val (NM_001135040.3); c.2024A>T, p.Asp675Val (NM_001135041.3, NM_023019.4); c.2315A>T, p.Asp772Val (NM_001190836.2); c.2405A>T, p.Asp802Val (NM_001190837.2); c.2375A>T, p.Asp792Val (NM_001378991.1); c.2357A>T, p.Asp786Val (NM_001378992.1); c.2426A>T (NM_004082.4); short protein forms D772V, D675V, D786V, D802V, D809V, D789V, D792V.
Identifiers: ClinVar variation 1393318 (VCV001393318.9), dbSNP rs781268909, ClinGen allele CA1721848.